The following is an entry in ClinVar:

ClinVar aggregate classification (germline): Uncertain significance (1 of 4 stars; one submission).

Conditions:
Familial cancer of breast. Also called: Hereditary breast cancer; hereditary breast carcinoma; BREAST CANCER, FAMILIAL. Identifiers: Orphanet 227535, MedGen C0346153, MONDO:0016419, OMIM 114480. Disease mechanism: loss of function.

Submission:

Labcorp Genetics (formerly Invitae), Labcorp
Classification: Uncertain significance for Familial cancer of breast. Last evaluated: 2023-02-04. Review status: criteria provided, single submitter. Criteria: Invitae Variant Classification Sherloc (09022015). Collection method: clinical testing. Allele origin: germline.
Comment: This sequence change replaces glycine, which is neutral and non-polar, with cysteine, which is neutral and slightly polar, at codon 1166 of the PALB2 protein (p.Gly1166Cys). In summary, the available evidence is currently insufficient to determine the role of this variant in disease. Therefore, it has been classified as a Variant of Uncertain Significance. Algorithms developed to predict the effect of missense changes on protein structure and function are either unavailable or do not agree on the potential impact of this missense change (SIFT: "Deleterious"; PolyPhen-2: "Probably Damaging"; Align-GVGD: "Class C15"). This variant has not been reported in the literature in individuals affected with PALB2-related conditions. This variant is not present in population databases (gnomAD no frequency).

NM_024675.4(PALB2):c.3496G>T (p.Gly1166Cys)

Gene: PALB2 (partner and localizer of BRCA2; minus strand). Cytogenetic location: 16p12.2.
Variant type: single nucleotide variant.
Coding change: c.3496G>T on transcript NM_024675.4 (MANE Select); coding-DNA position 3496, G replaced by T.
Protein change: p.Gly1166Cys; replaces glycine 1166 with cysteine.
Molecular consequence: missense variant. On other transcripts: 3 prime UTR variant (5).
Genome position (GRCh38, 1-based): chr16:23,603,524, C>A on the plus strand (G>T on the coding strand, the complement: PALB2 is on the minus strand). VCF-style: chr16-23603524-C-A. GRCh37 (hg19) VCF-style: chr16-23614845-C-A.
Other names: c.3436G>T, p.Gly1146Cys (NM_001407296.1); c.3424G>T, p.Gly1142Cys (NM_001407297.1); c.3334G>T, p.Gly1112Cys (NM_001407298.1); c.3259G>T, p.Gly1087Cys (NM_001407299.1); c.3217G>T, p.Gly1073Cys (NM_001407300.1); c.*131G>T (NM_001407301.1, NM_001407302.1, NM_001407310.1 and 2 more transcripts); c.2611G>T, p.Gly871Cys (NM_001407304.1, NM_001407305.1, NM_001407306.1); c.2449G>T, p.Gly817Cys (NM_001407307.1); and 3 more; short protein forms G1142C, G1087C, G1166C, G1112C, G1146C, G570C, G792C, G1073C.
Identifiers: ClinVar variation 2955821 (VCV002955821.3), dbSNP rs1966397121, ClinGen allele CA395137914.